The following is an entry in ClinVar:

ClinVar aggregate classification (germline): Uncertain significance (1 of 4 stars; one submission).

Conditions:
Usher syndrome type 1D (USH1D). Also called: USHER SYNDROME, TYPE ID. Identifiers: Orphanet 231169, Orphanet 886, MedGen C1832845, MONDO:0010984, OMIM 601067.

gnomAD v4.1: 1 of 1,614,098 alleles (0.000062%); highest among the groups gnomAD compares: South Asian, 0.0011%; no homozygotes.

Submission:

3billion
Classification: Uncertain significance for Usher syndrome type 1D. Last evaluated: 2025-12-16. Review status: criteria provided, single submitter. Criteria: ACMG Guidelines, 2015. Collection method: clinical testing. Allele origin: germline. Affected: yes.
Comment: The variant is observed at an extremely low frequency in the gnomAD v4.1.0 dataset (total allele frequency: <0.001%). Predicted Consequence/Location: Missense variant In silico tool predictions suggest damaging effect of the variant on gene or gene product [REVEL: 0.82 (>=0.6, sensitivity 0.68 and specificity 0.92); 3Cnet: 0.12 (> 0.75, sensitivity 0.96 and precision 0.92)]. A different missense change at the same codon (p.Pro1849Ala) has been reported to be associated with CDH23-related disorder (PMID: 26561413). However the evidence of pathogenicity is insufficient at this time. Therefore, this variant is classified as VUS according to the recommendation of ACMG/AMP guideline.

Literature cited by the submitters: PubMed 26561413.

NM_022124.6(CDH23):c.5546C>A (p.Pro1849His)

Gene: CDH23 (cadherin related 23; plus strand). Cytogenetic location: 10q22.1.
Variant type: single nucleotide variant.
Coding change: c.5546C>A on transcript NM_022124.6 (MANE Select); coding-DNA position 5546, C replaced by A.
Protein change: p.Pro1849His; replaces proline 1849 with histidine.
Molecular consequence: missense variant.
Genome position (GRCh38, 1-based): chr10:71,784,934, C>A. VCF-style: chr10-71784934-C-A. GRCh37 (hg19) VCF-style: chr10-73544691-C-A.
Other names: short protein forms P1849H.
Identifiers: ClinVar variation 4854188 (VCV004854188.1).